The following is an entry in ClinVar:

NM_000394.4(CRYAA):c.50T>C (p.Phe17Ser)

Gene: CRYAA (crystallin alpha A; plus strand). Cytogenetic location: 21q22.3.
Variant type: single nucleotide variant.
Coding change: c.50T>C on transcript NM_000394.4 (MANE Select); coding-DNA position 50, T replaced by C.
Protein change: p.Phe17Ser; replaces phenylalanine 17 with serine.
Molecular consequence: missense variant.
Genome position (GRCh38, 1-based): chr21:43,169,149, T>C. VCF-style: chr21-43169149-T-C. GRCh37 (hg19) VCF-style: chr21-44589259-T-C.
Other names: short protein forms F17S.
Identifiers: ClinVar variation 2514624 (VCV002514624.6), dbSNP rs148704068, ClinGen allele CA321167391.

ClinVar aggregate classification (germline): Uncertain significance. Review status: criteria provided, multiple submitters, no conflicts (2 of 4 stars). 2 submissions from 2 submitters: Uncertain significance (2). Last evaluated 2025-08-04.

Conditions:
Cataract 9 multiple types. Also called: Cataract 9, multiple types, with or without microcornea; Cataract, autosomal recessive congenital 1. Identifiers: Orphanet 1377, MedGen C1858679, MONDO:0011413, OMIM 604219.

Allele frequency attached by ClinVar (database versions not stated): ESP Exome Variant Server 0.00023; ExAC 0.00051.

Submissions (2):

Ambry Genetics
Classification: Uncertain significance. Last evaluated: 2025-08-04. Review status: criteria provided, single submitter. Criteria: Ambry Variant Classification Scheme 2023. Collection method: clinical testing. Allele origin: germline.

Labcorp Genetics (formerly Invitae), Labcorp
Classification: Uncertain significance for Cataract 9 multiple types. Last evaluated: 2024-10-25. Review status: criteria provided, single submitter. Criteria: Invitae Variant Classification Sherloc (09022015). Collection method: clinical testing. Allele origin: germline.
Comment: This sequence change replaces phenylalanine, which is neutral and non-polar, with serine, which is neutral and polar, at codon 17 of the CRYAA protein (p.Phe17Ser). This variant is present in population databases (rs148704068, gnomAD 0.06%). This variant has not been reported in the literature in individuals affected with CRYAA-related conditions. ClinVar contains an entry for this variant (Variation ID: 2514624). An algorithm developed to predict the effect of missense changes on protein structure and function (PolyPhen-2) suggests that this variant is likely to be tolerated. In summary, the available evidence is currently insufficient to determine the role of this variant in disease. Therefore, it has been classified as a Variant of Uncertain Significance.